The following is an entry in ClinVar:

NC_000001.10:g.(?_94458793)_(94512669_?)del

Gene: ABCA4 (ATP binding cassette subfamily A member 4; minus strand). Cytogenetic location: 1p22.1.
Variant type: Deletion.
Identifiers: ClinVar variation 1460358 (VCV001460358.6).

ClinVar aggregate classification (germline): Pathogenic (1 of 4 stars; one submission).

Submission:

Labcorp Genetics (formerly Invitae), Labcorp
Classification: Pathogenic. Last evaluated: 2021-03-21. Review status: criteria provided, single submitter. Criteria: Invitae Variant Classification Sherloc (09022015). Collection method: clinical testing. Allele origin: germline.
Comment: For these reasons, this variant has been classified as Pathogenic. This variant disrupts the p.Phe2188 amino acid residue in ABCA4. Other variant(s) that disrupt this residue have been determined to be pathogenic (PMID: 23755871, 26161775, 26780318). This suggests that this residue is clinically significant, and that variants that disrupt this residue are likely to be disease-causing. This variant has been observed in individual(s) with clinical features of ABCA4-related conditions (Invitae). In at least one individual the data is consistent with the variant being in trans (on the opposite chromosome) from a pathogenic variant. This variant is a gross deletion of the genomic region encompassing exon(s) 19-50 of the ABCA4 gene. The 5' boundary is likely confined to intron 18. The 3' end of this event is unknown as it extends through the termination codon beyond the assayed region for this gene and may encompass additional genes. While this deletion is not anticipated to lead to nonsense mediated decay, it is expected to alter mRNA translation or result in a truncated protein product.

Literature cited by the submitters: PubMed 23755871; PubMed 26161775; PubMed 26780318.